The following is an entry in ClinVar:

ClinVar aggregate classification (germline): Pathogenic (1 of 4 stars; one submission).

Conditions:
Hereditary spastic paraplegia 30. Identifiers: Orphanet 101010, MedGen C5235139, MONDO:0012476.
Neuropathy, hereditary sensory, type 2C. Also called: KIF1A-Related HSAN2 (HSAN2C); Hereditary sensory and autonomic neuropathy type IIC. Identifiers: Orphanet 970, MedGen C3280168, MONDO:0013634, OMIM 614213.
Intellectual disability, autosomal dominant 9 (NESCAVS). Also called: KIF1A-Related Neurodevelopmental Disorder; NESCAV SYNDROME. Identifiers: Orphanet 662367, MedGen C5393830, MONDO:0013656, OMIM 614255.

Submission:

Labcorp Genetics (formerly Invitae), Labcorp
Classification: Pathogenic for Hereditary spastic paraplegia 30; Neuropathy, hereditary sensory, type 2C; Intellectual disability, autosomal dominant 9. Last evaluated: 2024-03-07. Review status: criteria provided, single submitter. Criteria: Invitae Variant Classification Sherloc (09022015). Collection method: clinical testing. Allele origin: germline.
Comment: This sequence change creates a premature translational stop signal (p.Glu788*) in the KIF1A gene. It is expected to result in an absent or disrupted protein product. Loss-of-function variants in KIF1A are known to be pathogenic (PMID: 21820098). This variant is not present in population databases (gnomAD no frequency). This variant has not been reported in the literature in individuals affected with KIF1A-related conditions. ClinVar contains an entry for this variant (Variation ID: 1451452). For these reasons, this variant has been classified as Pathogenic.

Literature cited by the submitters: PubMed 21820098.

NM_001244008.2(KIF1A):c.2389G>T (p.Glu797Ter)

Gene: KIF1A (kinesin family member 1A; minus strand). Cytogenetic location: 2q37.3.
Variant type: single nucleotide variant.
Coding change: c.2389G>T on transcript NM_001244008.2 (MANE Select); coding-DNA position 2389, G replaced by T.
Protein change: p.Glu797Ter; replaces glutamic acid 797 with a stop codon.
Molecular consequence: nonsense.
Genome position (GRCh38, 1-based): chr2:240,760,720, C>A on the plus strand (G>T on the coding strand, the complement: KIF1A is on the minus strand). VCF-style: chr2-240760720-C-A. GRCh37 (hg19) VCF-style: chr2-241700137-C-A.
Other names: c.2389G>T, p.Glu797Ter (NM_001320705.2, NM_001330289.2, NM_001379638.1); c.2464G>T, p.Glu822Ter (NM_001330290.2, NM_001379631.1, NM_001379634.1 and 2 more transcripts); c.2362G>T, p.Glu788Ter (NM_001379632.1, NM_001379633.1, NM_001379636.1 and 10 more transcripts); c.2437G>T, p.Glu813Ter (NM_001379637.1, NM_001379648.1); short protein forms E813*, E797*, E788*, E822*.
Identifiers: ClinVar variation 1451452 (VCV001451452.6), dbSNP rs2125889990, ClinGen allele CA351324684.